The following is an entry in ClinVar:

NM_181872.6(DMRT2):c.241del (p.Arg81fs)

Gene: DMRT2 (doublesex and mab-3 related transcription factor 2; plus strand). Cytogenetic location: 9p24.3.
Variant type: Deletion.
Coding change: c.241del on transcript NM_181872.6 (MANE Select); coding-DNA position 241, one base deleted (C; older notation c.241delC).
Protein change: p.Arg81fs; shifts the reading frame from arginine 81.
Molecular consequence: frameshift variant. On other transcripts: 5 prime UTR variant (1), non-coding transcript variant (1).
Genome position (GRCh38, 1-based): chr9:1,051,854, C deleted. VCF-style (leftmost placement, unchanged base first): chr9-1051853-GC-G. GRCh37 (hg19) VCF-style: chr9-1051853-GC-G.
Other names: c.241del, p.Arg81fs (NM_001130865.3, NM_001370531.1, NM_001370533.1 and 4 more transcripts); c.-410del (NM_001370532.1); short protein forms R81fs.
Identifiers: ClinVar variation 4716950 (VCV004716950.1).

ClinVar aggregate classification (germline): Uncertain significance (1 of 4 stars; one submission).

Submission:

Labcorp Genetics (formerly Invitae), Labcorp
Classification: Uncertain significance. Last evaluated: 2025-04-09. Review status: criteria provided, single submitter. Criteria: Invitae Variant Classification Sherloc (09022015). Collection method: clinical testing. Allele origin: germline.
Comment: This sequence change creates a premature translational stop signal (p.Arg81Glyfs*37) in the DMRT2 gene. It is expected to result in an absent or disrupted protein product. However, the current clinical and genetic evidence is not sufficient to establish whether loss-of-function variants in DMRT2 cause disease. This variant is not present in population databases (gnomAD no frequency). This variant has not been reported in the literature in individuals affected with DMRT2-related conditions. In summary, the available evidence is currently insufficient to determine the role of this variant in disease. Therefore, it has been classified as a Variant of Uncertain Significance.